The following is an entry in ClinVar:

ClinVar aggregate classification (germline): Pathogenic (1 of 4 stars; one submission).

Submission:

Genetics Laboratory, UDIAT-Centre Diagnòstic, Hospital Universitari Parc Tauli
Classification: Pathogenic. Last evaluated: 2021-04-26. Review status: criteria provided, single submitter. Criteria: Parc Tauli Hospital Assertion Criteria 2021. Collection method: clinical testing. Allele origin: de novo. Inheritance: X-linked inheritance. Affected: yes. Observed: 1 hemizygote.
Comment: PVS1_very strong;PM2_supporting;PM6_moderate

NM_001111125.3(IQSEC2):c.2203C>T (p.Gln735Ter)

Gene: IQSEC2 (IQ motif and Sec7 domain ArfGEF 2; minus strand). Cytogenetic location: Xp11.22.
Variant type: single nucleotide variant.
Coding change: c.2203C>T on transcript NM_001111125.3 (MANE Select); coding-DNA position 2203, C replaced by T.
Protein change: p.Gln735Ter; replaces glutamine 735 with a stop codon.
Molecular consequence: nonsense.
Genome position (GRCh38, 1-based): chrX:53,250,373, G>A on the plus strand (C>T on the coding strand, the complement: IQSEC2 is on the minus strand). VCF-style: chrX-53250373-G-A. GRCh37 (hg19) VCF-style: chrX-53279555-G-A.
Other names: c.1588C>T, p.Gln530Ter (NM_015075.2); short protein forms Q530*, Q735*.
Identifiers: ClinVar variation 1098384 (VCV001098384.2), dbSNP rs2147096963, ClinGen allele CA413160113.
Genomic context (GRCh38, chrX:53,250,373, plus strand): 5'-GCCTCTGGACCACATCATTGTTGAAAGCTGGCGAGTCCCAGCTATGCCTTGTCTCCCGCT[G>A]GTAAGTCTGCTTGCACAGGCCGGTAGCCGGAGGCTCCCTTAGACTGTCCCGAGAAGAGGA-3'